The following is an entry in ClinVar:

ClinVar aggregate classification (germline): Benign. Review status: criteria provided, multiple submitters, no conflicts (2 of 4 stars). 2 submissions from 2 submitters: Benign (2). Last evaluated 2026-01-30.

Submissions (2):

Women's Health and Genetics/Laboratory Corporation of America, LabCorp
Classification: Benign. Last evaluated: 2026-01-30. Review status: criteria provided, single submitter. Criteria: LabCorp Variant Classification Summary - May 2015. Collection method: clinical testing. Allele origin: germline.
Comment: Variant summary: ALPK1 c.1306_1307delAG (p.Ser436PhefsX7) results in a premature termination codon, predicted to cause a truncation of the encoded protein or absence of the protein due to nonsense mediated decay, however current evidence is not sufficient to establish loss of function as a mechanism for disease. The variant allele was found at a frequency of 7.6e-05 in 250962 control chromosomes, predominantly at a frequency of 0.00082 within the East Asian subpopulation in the gnomAD database. The observed variant frequency within East Asian control individuals in the gnomAD database exceeds the estimated maximal expected allele frequency for disease-causing variants in ALPK1. To our knowledge, no occurrence of c.1306_1307delAG in individuals affected with ALPK1-related conditions and no experimental evidence demonstrating its impact on protein function have been reported. ClinVar contains an entry for this variant (Variation ID: 2143494). Based on the evidence outlined above, the variant was classified as benign.

Labcorp Genetics (formerly Invitae), Labcorp
Classification: Benign. Last evaluated: 2025-11-18. Review status: criteria provided, single submitter. Criteria: Invitae Variant Classification Sherloc (09022015). Collection method: clinical testing. Allele origin: germline.

NM_025144.4(ALPK1):c.1306_1307del (p.Ser436fs)

Gene: ALPK1 (alpha kinase 1; plus strand). Cytogenetic location: 4q25.
Variant type: Microsatellite.
Coding change: c.1306_1307del on transcript NM_025144.4 (MANE Select); coding-DNA positions 1306 to 1307, 2 bases deleted (AG; older notation c.1306_1307delAG).
Protein change: p.Ser436fs; shifts the reading frame from serine 436.
Molecular consequence: frameshift variant.
Genome position (GRCh38, 1-based): chr4:112,430,853-112,430,854, AG deleted; deleting any 2 consecutive bases within chr4:112,430,850-112,430,854 gives the same sequence; the c. name uses the placement nearest the transcript's 3' end. VCF-style (leftmost placement, unchanged base first): chr4-112430849-CGA-C. GRCh37 (hg19) VCF-style: chr4-113352005-CGA-C.
Other names: c.1306_1307del, p.Ser436fs (NM_001102406.2); c.1072_1073del, p.Ser358fs (NM_001253884.2); c.1306_1307delAG (NM_025144.4); short protein forms S358fs, S436fs.
Identifiers: ClinVar variation 2143494 (VCV002143494.5), dbSNP rs781656918, ClinGen allele CA3046698.